The following is an entry in ClinVar:

NM_004304.5(ALK):c.1585T>G (p.Ser529Ala)

Gene: ALK (ALK receptor tyrosine kinase; minus strand). Cytogenetic location: 2p23.2.
Variant type: single nucleotide variant.
Coding change: c.1585T>G on transcript NM_004304.5 (MANE Select); coding-DNA position 1585, T replaced by G.
Protein change: p.Ser529Ala; replaces serine 529 with alanine.
Molecular consequence: missense variant.
Genome position (GRCh38, 1-based): chr2:29,318,366, A>C on the plus strand (T>G on the coding strand, the complement: ALK is on the minus strand). VCF-style: chr2-29318366-A-C. GRCh37 (hg19) VCF-style: chr2-29541232-A-C.
Other names: short protein forms S529A.
Identifiers: ClinVar variation 1024922 (VCV001024922.8), dbSNP rs1666895485, ClinGen allele CA346471213.

ClinVar aggregate classification (germline): Uncertain significance (1 of 4 stars; one submission).

Conditions:
Neuroblastoma, susceptibility to, 3. Also called: ALK-Related Neuroblastic Tumor Susceptibility. Identifiers: Orphanet 635, MedGen C2751681, MONDO:0013083, OMIM 613014.

Submission:

Labcorp Genetics (formerly Invitae), Labcorp
Classification: Uncertain significance for Neuroblastoma, susceptibility to, 3. Last evaluated: 2020-10-08. Review status: criteria provided, single submitter. Criteria: Invitae Variant Classification Sherloc (09022015). Collection method: clinical testing. Allele origin: germline.
Comment: In summary, the available evidence is currently insufficient to determine the role of this variant in disease. Therefore, it has been classified as a Variant of Uncertain Significance. Algorithms developed to predict the effect of missense changes on protein structure and function output the following: SIFT: "Tolerated"; PolyPhen-2: "Benign"; Align-GVGD: "Class C0". The alanine amino acid residue is found in multiple mammalian species, suggesting that this missense change does not adversely affect protein function. These predictions have not been confirmed by published functional studies and their clinical significance is uncertain. This variant has not been reported in the literature in individuals with ALK-related conditions. This variant is not present in population databases (ExAC no frequency). This sequence change replaces serine with alanine at codon 529 of the ALK protein (p.Ser529Ala). The serine residue is highly conserved and there is a moderate physicochemical difference between serine and alanine.